The following is an entry in ClinVar:

NM_006488.3(KHK):c.*754T>C

Genes: CGREF1 (cell growth regulator with EF-hand domain 1; minus strand), KHK (ketohexokinase; plus strand). Cytogenetic location: 2p23.3.
Variant type: single nucleotide variant.
Coding change: c.*754T>C on transcript NM_006488.3 (MANE Select); 754 bases downstream of the stop codon, T replaced by C.
Molecular consequence: 3 prime UTR variant. On other transcripts: missense variant (1), intron variant (1).
Genome position (GRCh38, 1-based): chr2:27,100,504, T>C. VCF-style: chr2-27100504-T-C. GRCh37 (hg19) VCF-style: chr2-27323372-T-C.
Other names: NC_000002.11:g.27323372T>C; c.325A>G, p.Ile109Val (NM_001301324.2); c.*754T>C (NM_000221.3); c.343-664A>G (NM_001166240.2); short protein forms I109V.
Identifiers: ClinVar variation 335514 (VCV000335514.9), dbSNP rs73921452, ClinGen allele CA1569528.
Genomic context (GRCh38, chr2:27,100,504, plus strand): 5'-AAATGTGACCCAGGATACAGAGTGTTGCTGTCCTCAGGGAGGTCCGATCTGGAACACATA[T>C]TGGAATTGGGGCCAACTCCAATATAGGGTGGGTAAGGCCTTATAATGTAAAGAGCATATA-3'

ClinVar aggregate classification (germline): Benign. Review status: criteria provided, multiple submitters, no conflicts (2 of 4 stars). 2 submissions from 2 submitters: Benign (2). Last evaluated 2018-01-13.

Conditions:
Essential fructosuria. Also called: KETOHEXOKINASE DEFICIENCY; HEPATIC FRUCTOKINASE DEFICIENCY. Identifiers: Orphanet 2056, MedGen C0268160, MONDO:0009252, OMIM 229800.

Allele frequency attached by ClinVar (database versions not stated): 1000 Genomes Project 30x 0.02873; ExAC 0.00757; ESP Exome Variant Server 0.01949; gnomAD 0.02057 and 0.02190; gnomAD exomes 0.00545 and 0.00208; 1000 Genomes Project 0.02676; TOPMed 0.02390.
gnomAD v4.1: 5,573 of 1,290,984 alleles (0.43%); highest among the groups gnomAD compares: African/African-American, 7%; 170 homozygotes.

Submissions (3):

Illumina Laboratory Services, Illumina
Classification: Benign for Essential fructosuria. Last evaluated: 2018-01-13. Review status: criteria provided, single submitter. Criteria: ICSL Variant Classification Criteria 13 December 2019. Collection method: clinical testing. Allele origin: germline.
Comment: This variant was observed in the ICSL laboratory as part of a predisposition screen in an ostensibly healthy population. It had not been previously curated by ICSL or reported in the Human Gene Mutation Database (HGMD: prior to June 1st, 2018), and was therefore a candidate for classification through an automated scoring system. Utilizing variant allele frequency, disease prevalence and penetrance estimates, and inheritance mode, an automated score was calculated to assess if this variant is too frequent to cause the disease. Based on the score and internal cut-off values, a variant classified as benign is not then subjected to further curation. The score for this variant resulted in a classification of benign for this disease.

Breakthrough Genomics
Classification: Benign. Review status: criteria provided, single submitter. Criteria: ACMG Guidelines, 2015. Collection method: not provided. Allele origin: germline. Inheritance: Autosomal recessive inheritance. Affected: yes.

Dr. Peter K. Rogan Lab, Western University
No classification provided (evidence only). Condition: Uterine corpus endometrial carcinoma. Review status: no classification provided. Collection method: in vitro. Allele origin: not applicable. Functional consequence: retained intron. Not counted in ClinVar's aggregate classification.